The following is an entry in ClinVar:

NM_014915.3(ANKRD26):c.1010C>T (p.Thr337Ile)

Gene: ANKRD26 (ankyrin repeat domain containing 26; minus strand). Cytogenetic location: 10p12.1.
Variant type: single nucleotide variant.
Coding change: c.1010C>T on transcript NM_014915.3 (MANE Select); coding-DNA position 1010, C replaced by T.
Protein change: p.Thr337Ile; replaces threonine 337 with isoleucine.
Molecular consequence: missense variant.
Genome position (GRCh38, 1-based): chr10:27,077,405, G>A on the plus strand (C>T on the coding strand, the complement: ANKRD26 is on the minus strand). VCF-style: chr10-27077405-G-A. GRCh37 (hg19) VCF-style: chr10-27366334-G-A.
Other names: c.1010C>T, p.Thr337Ile (NM_001256053.2); short protein forms T337I.
Identifiers: ClinVar variation 3384293 (VCV003384293.2).

ClinVar aggregate classification (germline): Uncertain significance. Review status: criteria provided, multiple submitters, no conflicts (2 of 4 stars). 2 submissions from 2 submitters: Uncertain significance (2). Last evaluated 2025-02-15.

Conditions:
Inborn genetic diseases. Identifiers: MedGen C0950123, MeSH D030342.

gnomAD v4.1: 4 of 1,614,022 alleles (0.00025%); highest among the groups gnomAD compares: Non-Finnish European, 0.00034%; no homozygotes.

Submissions (2):

Ambry Genetics
Classification: Uncertain significance for Inborn genetic diseases. Last evaluated: 2025-02-15. Review status: criteria provided, single submitter. Criteria: Ambry Variant Classification Scheme 2023. Collection method: clinical testing. Allele origin: germline.
Comment: The p.T337I variant (also known as c.1010C>T), located in coding exon 9 of the ANKRD26 gene, results from a C to T substitution at nucleotide position 1010. The threonine at codon 337 is replaced by isoleucine, an amino acid with similar properties. This amino acid position is conserved. In addition, this alteration is predicted to be tolerated by in silico analysis. Based on the available evidence, the clinical significance of this variant remains unclear.

GeneDx
Classification: Uncertain significance. Last evaluated: 2024-06-06. Review status: criteria provided, single submitter. Criteria: GeneDx Variant Classification Process June 2021. Collection method: clinical testing. Allele origin: germline. Affected: yes.
Comment: Not observed at significant frequency in large population cohorts (gnomAD); In silico analysis indicates that this missense variant does not alter protein structure/function; Has not been previously published as pathogenic or benign to our knowledge